The following is an entry in ClinVar:

NM_005228.5(EGFR):c.2012G>A (p.Arg671His)

Gene: EGFR (epidermal growth factor receptor; plus strand). Cytogenetic location: 7p11.2.
Variant type: single nucleotide variant.
Coding change: c.2012G>A on transcript NM_005228.5 (MANE Select); coding-DNA position 2012, G replaced by A.
Protein change: p.Arg671His; replaces arginine 671 with histidine.
Molecular consequence: missense variant.
Genome position (GRCh38, 1-based): chr7:55,173,075, G>A. VCF-style: chr7-55173075-G-A. GRCh37 (hg19) VCF-style: chr7-55240768-G-A.
Other names: c.1877G>A, p.Arg626His (NM_001346897.2, NM_001346899.2); c.2012G>A, p.Arg671His (NM_001346898.2); c.1853G>A, p.Arg618His (NM_001346900.2); c.1211G>A, p.Arg404His (NM_001346941.2); short protein forms R671H, R404H, R618H, R626H.
Identifiers: ClinVar variation 943352 (VCV000943352.10), dbSNP rs1266662784, ClinGen allele CA367583137.

ClinVar aggregate classification (germline): Uncertain significance. Review status: criteria provided, multiple submitters, no conflicts (2 of 4 stars). 3 submissions from 3 submitters: Uncertain significance (3). Last evaluated 2026-01-04.

Conditions:
Hereditary cancer-predisposing syndrome. Also called: Neoplastic Syndromes, Hereditary; Hereditary Cancer Syndrome; Tumor predisposition; Hereditary neoplastic syndrome. Identifiers: Orphanet 140162, MedGen C0027672, MeSH D009386, MONDO:0015356.
EGFR-related lung cancer (EGFR). Identifiers: MedGen CN130014.
Inflammatory skin and bowel disease, neonatal, 2 (NNCIS). Identifiers: Orphanet 294023, MedGen C4015130, MONDO:0014481, OMIM 616069.
Lung cancer. Also called: Lung cancer, somatic; Malignant tumor of lung. Identifiers: MedGen C0242379, MONDO:0008903, OMIM 211980.

Allele frequency attached by ClinVar (database versions not stated): gnomAD exomes 0.00001; TOPMed 0.00001.
gnomAD v4.1: 12 of 1,613,268 alleles (0.00074%); highest among the groups gnomAD compares: Non-Finnish European, 0.001%; no homozygotes.

Submissions (3):

Labcorp Genetics (formerly Invitae), Labcorp
Classification: Uncertain significance for EGFR-related lung cancer. Last evaluated: 2026-01-04. Review status: criteria provided, single submitter. Criteria: Invitae Variant Classification Sherloc (09022015). Collection method: clinical testing. Allele origin: germline.
Comment: This sequence change replaces arginine, which is basic and polar, with histidine, which is basic and polar, at codon 671 of the EGFR protein (p.Arg671His). This variant is not present in population databases (gnomAD no frequency). This variant has not been reported in the literature in individuals affected with EGFR-related conditions. ClinVar contains an entry for this variant (Variation ID: 943352). Invitae Evidence Modeling of protein sequence and biophysical properties (such as structural, functional, and spatial information, amino acid conservation, physicochemical variation, residue mobility, and thermodynamic stability) indicates that this missense variant is not expected to disrupt EGFR protein function with a negative predictive value of 80%. In summary, the available evidence is currently insufficient to determine the role of this variant in disease. Therefore, it has been classified as a Variant of Uncertain Significance.

Ambry Genetics
Classification: Uncertain significance for Hereditary cancer-predisposing syndrome. Last evaluated: 2024-12-01. Review status: criteria provided, single submitter. Criteria: Ambry Variant Classification Scheme 2023. Collection method: clinical testing. Allele origin: germline.
Comment: The p.R671H variant (also known as c.2012G>A), located in coding exon 17 of the EGFR gene, results from a G to A substitution at nucleotide position 2012. The arginine at codon 671 is replaced by histidine, an amino acid with highly similar properties. This amino acid position is conserved. In addition, the in silico prediction for this alteration is inconclusive. Based on the available evidence, the clinical significance of this variant remains unclear.

Fulgent Genetics
Classification: Uncertain significance for Lung cancer; Inflammatory skin and bowel disease, neonatal, 2. Last evaluated: 2024-05-14. Review status: criteria provided, single submitter. Criteria: ACMG Guidelines, 2015. Collection method: clinical testing. Allele origin: germline.